The following is an entry in ClinVar:

NM_014249.4(NR2E3):c.265A>G (p.Met89Val)

Gene: NR2E3 (nuclear receptor subfamily 2 group E member 3; plus strand). Cytogenetic location: 15q23.
Variant type: single nucleotide variant.
Coding change: c.265A>G on transcript NM_014249.4 (MANE Select); coding-DNA position 265, A replaced by G.
Protein change: p.Met89Val; replaces methionine 89 with valine.
Molecular consequence: missense variant.
Genome position (GRCh38, 1-based): chr15:71,811,785, A>G. VCF-style: chr15-71811785-A-G. GRCh37 (hg19) VCF-style: chr15-72104125-A-G.
Other names: c.265A>G, p.Met89Val (NM_016346.4); short protein forms M89V.
Identifiers: ClinVar variation 2067732 (VCV002067732.4), dbSNP rs746366181, ClinGen allele CA7640274.

ClinVar aggregate classification (germline): Uncertain significance. Review status: criteria provided, multiple submitters, no conflicts (2 of 4 stars). 2 submissions from 2 submitters: Uncertain significance (2). Last evaluated 2024-08-12.

Allele frequency attached by ClinVar (database versions not stated): gnomAD 0.00001; gnomAD exomes 0.00001; TOPMed 0.00002.
gnomAD v4.1: 9 of 1,551,020 alleles (0.00058%); highest among the groups gnomAD compares: Admixed American, 0.018%; no homozygotes.

Submissions (2):

Labcorp Genetics (formerly Invitae), Labcorp
Classification: Uncertain significance. Last evaluated: 2024-08-12. Review status: criteria provided, single submitter. Criteria: Invitae Variant Classification Sherloc (09022015). Collection method: clinical testing. Allele origin: germline.
Comment: This sequence change replaces methionine, which is neutral and non-polar, with valine, which is neutral and non-polar, at codon 89 of the NR2E3 protein (p.Met89Val). This variant is present in population databases (rs746366181, gnomAD 0.03%). This variant has not been reported in the literature in individuals affected with NR2E3-related conditions. ClinVar contains an entry for this variant (Variation ID: 2067732). Advanced modeling of protein sequence and biophysical properties (such as structural, functional, and spatial information, amino acid conservation, physicochemical variation, residue mobility, and thermodynamic stability) performed at Invitae indicates that this missense variant is not expected to disrupt NR2E3 protein function with a negative predictive value of 80%. In summary, the available evidence is currently insufficient to determine the role of this variant in disease. Therefore, it has been classified as a Variant of Uncertain Significance.

Blueprint Genetics
Classification: Uncertain significance. Last evaluated: 2024-01-29. Review status: criteria provided, single submitter. Criteria: ACMG Guidelines, 2015. Collection method: clinical testing. Allele origin: germline.